The following is an entry in ClinVar:

ClinVar aggregate classification (germline): Uncertain significance. Review status: criteria provided, multiple submitters, no conflicts (2 of 4 stars). 2 submissions from 2 submitters: Uncertain significance (2). Last evaluated 2021-04-19.

Conditions:
Dilated cardiomyopathy 1Z (CMD1Z). Identifiers: Orphanet 154, MedGen C2678475, MONDO:0012745, OMIM 611879.
Hypertrophic cardiomyopathy 13. Also called: TNNC1-Related Familial Hypertrophic Cardiomyopathy. Identifiers: MedGen C2750472, MONDO:0013195, OMIM 613243.

Submissions (2):

Labcorp Genetics (formerly Invitae), Labcorp
Classification: Uncertain significance for Hypertrophic cardiomyopathy 13; Dilated cardiomyopathy 1Z. Last evaluated: 2021-04-19. Review status: criteria provided, single submitter. Criteria: Invitae Variant Classification Sherloc (09022015). Collection method: clinical testing. Allele origin: germline.
Comment: This variant is not present in population databases (ExAC no frequency). This sequence change replaces glutamic acid with glutamine at codon 94 of the TNNC1 protein (p.Glu94Gln). The glutamic acid residue is highly conserved and there is a small physicochemical difference between glutamic acid and glutamine. This variant disrupts the p.Glu94 amino acid residue in TNNC1. Other variant(s) that disrupt this residue have been determined to be pathogenic (PMID: 32013205). This suggests that this residue is clinically significant, and that variants that disrupt this residue are likely to be disease-causing Algorithms developed to predict the effect of missense changes on protein structure and function are either unavailable or do not agree on the potential impact of this missense change (SIFT: "Deleterious"; PolyPhen-2: "Benign"; Align-GVGD: "Class C25"). This variant has not been reported in the literature in individuals with TNNC1-related conditions. ClinVar contains an entry for this variant (Variation ID: 426384). In summary, the available evidence is currently insufficient to determine the role of this variant in disease. Therefore, it has been classified as a Variant of Uncertain Significance.

GeneDx
Classification: Uncertain significance. Last evaluated: 2017-04-19. Review status: criteria provided, single submitter. Criteria: GeneDx Variant Classification (06012015). Collection method: clinical testing. Allele origin: germline. Affected: yes.
Comment: A variant of uncertain significance has been identified in the TNNC1 gene. The E94Q variant has not been published as pathogenic or been reported as benign to our knowledge. This variant is not observed in large population cohorts (Lek et al., 2016; 1000 Genomes Consortium et al., 2015; Exome Variant Server). The E94Q variant is a semi-conservative amino acid substitution, which may impact secondary protein structure as these residues differ in some properties. This substitution occurs at a position that is conserved across species and in silico analysis predicts this variant is probably damaging to the protein structure/function. However, this variant lacks observation in a significant number of affected individuals, segregation data, and functional evidence, which would further clarify its pathogenicity.

Literature cited by the submitters: PubMed 32013205 (cited by Labcorp Genetics (formerly Invitae), Labcorp).

NM_003280.3(TNNC1):c.280G>C (p.Glu94Gln)

Gene: TNNC1 (troponin C1, slow skeletal and cardiac type; minus strand). Cytogenetic location: 3p21.1.
Variant type: single nucleotide variant.
Coding change: c.280G>C on transcript NM_003280.3 (MANE Select); coding-DNA position 280, G replaced by C.
Protein change: p.Glu94Gln; replaces glutamic acid 94 with glutamine.
Molecular consequence: missense variant.
Genome position (GRCh38, 1-based): chr3:52,451,781, C>G on the plus strand (G>C on the coding strand, the complement: TNNC1 is on the minus strand). VCF-style: chr3-52451781-C-G. GRCh37 (hg19) VCF-style: chr3-52485797-C-G.
Other names: c.280G>C (LRG_378t1); short protein forms E94Q.
Identifiers: ClinVar variation 426384 (VCV000426384.9), dbSNP rs866734970, ClinGen allele CA353167167.